The following is an entry in ClinVar:

ClinVar aggregate classification (germline): Uncertain significance. Review status: criteria provided, multiple submitters, no conflicts (2 of 4 stars). 3 submissions from 3 submitters: Uncertain significance (3). Last evaluated 2024-08-10.

Conditions:
Inborn genetic diseases. Identifiers: MedGen C0950123, MeSH D030342.

Allele frequency attached by ClinVar (database versions not stated): gnomAD 0.00001 and 0.00002; TOPMed 0.00002; gnomAD exomes 0.00003 and 0.00006; ExAC 0.00007.
gnomAD v4.1: 40 of 1,608,944 alleles (0.0025%); highest among the groups gnomAD compares: Middle Eastern, 0.033%; no homozygotes.

Submissions (3):

Labcorp Genetics (formerly Invitae), Labcorp
Classification: Uncertain significance. Last evaluated: 2024-08-10. Review status: criteria provided, single submitter. Criteria: Invitae Variant Classification Sherloc (09022015). Collection method: clinical testing. Allele origin: germline.
Comment: This sequence change replaces arginine, which is basic and polar, with tryptophan, which is neutral and slightly polar, at codon 1308 of the HSPG2 protein (p.Arg1308Trp). This variant is present in population databases (rs758559575, gnomAD 0.01%). This variant has not been reported in the literature in individuals affected with HSPG2-related conditions. ClinVar contains an entry for this variant (Variation ID: 447550). An algorithm developed to predict the effect of missense changes on protein structure and function (PolyPhen-2) suggests that this variant is likely to be disruptive. In summary, the available evidence is currently insufficient to determine the role of this variant in disease. Therefore, it has been classified as a Variant of Uncertain Significance.

Ambry Genetics
Classification: Uncertain significance for Inborn genetic diseases. Last evaluated: 2024-07-10. Review status: criteria provided, single submitter. Criteria: Ambry Variant Classification Scheme 2023. Collection method: clinical testing. Allele origin: germline.

Athena Diagnostics
Classification: Uncertain significance. Last evaluated: 2016-12-30. Review status: criteria provided, single submitter. Criteria: Athena Diagnostics Criteria. Collection method: clinical testing. Allele origin: germline.

NM_005529.7(HSPG2):c.3922C>T (p.Arg1308Trp)

Gene: HSPG2 (heparan sulfate proteoglycan 2; minus strand). Cytogenetic location: 1p36.12.
Variant type: single nucleotide variant.
Coding change: c.3922C>T on transcript NM_005529.7 (MANE Select); coding-DNA position 3922, C replaced by T.
Protein change: p.Arg1308Trp; replaces arginine 1308 with tryptophan.
Molecular consequence: missense variant.
Genome position (GRCh38, 1-based): chr1:21,872,727, G>A on the plus strand (C>T on the coding strand, the complement: HSPG2 is on the minus strand). VCF-style: chr1-21872727-G-A. GRCh37 (hg19) VCF-style: chr1-22199220-G-A.
Other names: c.3925C>T, p.Arg1309Trp (NM_001291860.2); c.3922C>T (NM_005529.5); short protein forms R1308W, R1309W.
Identifiers: ClinVar variation 447550 (VCV000447550.4), dbSNP rs758559575, ClinGen allele CA672419.